The following is an entry in ClinVar:

ClinVar aggregate classification (germline): Uncertain significance (1 of 4 stars; one submission).

Allele frequency attached by ClinVar (database versions not stated): gnomAD 0.00001.
gnomAD v4.1: 5 of 1,614,022 alleles (0.00031%); highest among the groups gnomAD compares: South Asian, 0.0011%; no homozygotes.

Submission:

Labcorp Genetics (formerly Invitae), Labcorp
Classification: Uncertain significance. Last evaluated: 2021-09-15. Review status: criteria provided, single submitter. Criteria: Invitae Variant Classification Sherloc (09022015). Collection method: clinical testing. Allele origin: germline.
Comment: Algorithms developed to predict the effect of missense changes on protein structure and function (SIFT, PolyPhen-2, Align-GVGD) all suggest that this variant is likely to be tolerated. This variant has not been reported in the literature in individuals affected with PLEKHG2-related conditions. This variant is not present in population databases (ExAC no frequency). This sequence change replaces arginine with tryptophan at codon 1122 of the PLEKHG2 protein (p.Arg1122Trp). The arginine residue is weakly conserved and there is a moderate physicochemical difference between arginine and tryptophan. In summary, the available evidence is currently insufficient to determine the role of this variant in disease. Therefore, it has been classified as a Variant of Uncertain Significance.

NM_022835.3(PLEKHG2):c.3364C>T (p.Arg1122Trp)

Gene: PLEKHG2 (pleckstrin homology and RhoGEF domain containing G2; plus strand). Cytogenetic location: 19q13.2.
Variant type: single nucleotide variant.
Coding change: c.3364C>T on transcript NM_022835.3 (MANE Select); coding-DNA position 3364, C replaced by T.
Protein change: p.Arg1122Trp; replaces arginine 1122 with tryptophan.
Molecular consequence: missense variant. On other transcripts: intron variant (1).
Genome position (GRCh38, 1-based): chr19:39,424,497, C>T. VCF-style: chr19-39424497-C-T. GRCh37 (hg19) VCF-style: chr19-39915137-C-T.
Other names: c.3187C>T, p.Arg1063Trp (NM_001351693.2); c.1678-741C>T (NM_001351694.2); short protein forms R1063W, R1122W.
Identifiers: ClinVar variation 1353358 (VCV001353358.6), dbSNP rs2078752376, ClinGen allele CA405805480.
Genomic context (GRCh38, chr19:39,424,497, plus strand): 5'-CCAGACCTTCAGATTCCAGGTACCTCACCTTTGCCTGCACATGGAAGCCACCTGGACCAT[C>T]GGATCCCAGCCAACGCCCCACTGTCTTTGTCCCAGGAGCTCCCAGACACTCAGGTTCCAG-3'
Protein context (NP_073746.2, residues 1112-1132): LPAHGSHLDH[Arg1122Trp]IPANAPLSLS